The following is an entry in ClinVar:

NM_000100.4(CSTB):c.140T>G (p.Val47Gly)

Gene: CSTB (cystatin B; minus strand). Cytogenetic location: 21q22.3.
Variant type: single nucleotide variant.
Coding change: c.140T>G on transcript NM_000100.4 (MANE Select); coding-DNA position 140, T replaced by G.
Protein change: p.Val47Gly; replaces valine 47 with glycine.
Molecular consequence: missense variant.
Genome position (GRCh38, 1-based): chr21:43,774,686, A>C on the plus strand (T>G on the coding strand, the complement: CSTB is on the minus strand). VCF-style: chr21-43774686-A-C. GRCh37 (hg19) VCF-style: chr21-45194567-A-C.
Other names: short protein forms V47G.
Identifiers: ClinVar variation 950667 (VCV000950667.9), dbSNP rs2084001744, ClinGen allele CA410408235.

ClinVar aggregate classification (germline): Uncertain significance (1 of 4 stars; one submission).

Conditions:
Progressive myoclonic epilepsy. Also called: Familial progressive myoclonic epilepsy; Myoclonus epilepsy; Progressive myoclonus epilepsy; Myoclonic Epilepsies, Progressive. Identifiers: Orphanet 308, Orphanet 98261, MedGen C0751778, MONDO:0020074.

Submission:

Labcorp Genetics (formerly Invitae), Labcorp
Classification: Uncertain significance for Progressive myoclonic epilepsy. Last evaluated: 2019-07-31. Review status: criteria provided, single submitter. Criteria: Invitae Variant Classification Sherloc (09022015). Collection method: clinical testing. Allele origin: germline.
Comment: This sequence change replaces valine with glycine at codon 47 of the CSTB protein (p.Val47Gly). The valine residue is moderately conserved and there is a moderate physicochemical difference between valine and glycine. This variant is not present in population databases (ExAC no frequency). This variant has not been reported in the literature in individuals with CSTB-related conditions. Algorithms developed to predict the effect of missense changes on protein structure and function are either unavailable or do not agree on the potential impact of this missense change (SIFT: "Deleterious"; PolyPhen-2: "Benign"; Align-GVGD: "Class C35"). In summary, the available evidence is currently insufficient to determine the role of this variant in disease. Therefore, it has been classified as a Variant of Uncertain Significance.